The following is an entry in ClinVar:

ClinVar aggregate classification (germline): Uncertain significance (1 of 4 stars; one submission).

Conditions:
Argininosuccinate lyase deficiency. Also called: ARGININOSUCCINIC ACID LYASE DEFICIENCY; ASL DEFICIENCY; Argininosuccinic aciduria. Identifiers: Orphanet 23, MedGen C0268547, MONDO:0008815, OMIM 207900, HP:0025630.

Submission:

Labcorp Genetics (formerly Invitae), Labcorp
Classification: Uncertain significance for Argininosuccinate lyase deficiency. Last evaluated: 2024-10-08. Review status: criteria provided, single submitter. Criteria: Invitae Variant Classification Sherloc (09022015). Collection method: clinical testing. Allele origin: germline.
Comment: This sequence change replaces asparagine, which is neutral and polar, with lysine, which is basic and polar, at codon 289 of the ASL protein (p.Asn289Lys). This variant is not present in population databases (gnomAD no frequency). This variant has not been reported in the literature in individuals affected with ASL-related conditions. Invitae Evidence Modeling of protein sequence and biophysical properties (such as structural, functional, and spatial information, amino acid conservation, physicochemical variation, residue mobility, and thermodynamic stability) has been performed for this missense variant. However, the output from this modeling did not meet the statistical confidence thresholds required to predict the impact of this variant on ASL protein function. In summary, the available evidence is currently insufficient to determine the role of this variant in disease. Therefore, it has been classified as a Variant of Uncertain Significance.

NM_000048.4(ASL):c.867C>A (p.Asn289Lys)

Gene: ASL (argininosuccinate lyase; plus strand). Cytogenetic location: 7q11.21.
Variant type: single nucleotide variant.
Coding change: c.867C>A on transcript NM_000048.4 (MANE Select); coding-DNA position 867, C replaced by A.
Protein change: p.Asn289Lys; replaces asparagine 289 with lysine.
Molecular consequence: missense variant.
Genome position (GRCh38, 1-based): chr7:66,089,124, C>A. VCF-style: chr7-66089124-C-A. GRCh37 (hg19) VCF-style: chr7-65554111-C-A.
Other names: c.867C>A, p.Asn289Lys (NM_001024943.2, NM_001024944.2); c.789C>A, p.Asn263Lys (NM_001024946.2); short protein forms N263K, N289K.
Identifiers: ClinVar variation 3624603 (VCV003624603.2).